The following is an entry in ClinVar:

NM_058246.4(DNAJB6):c.574T>C (p.Ser192Pro)

Gene: DNAJB6 (DnaJ heat shock protein family (Hsp40) member B6; plus strand). Cytogenetic location: 7q36.3.
Variant type: single nucleotide variant.
Coding change: c.574T>C on transcript NM_058246.4 (MANE Select); coding-DNA position 574, T replaced by C.
Protein change: p.Ser192Pro; replaces serine 192 with proline.
Molecular consequence: missense variant. On other transcripts: intron variant (1).
Genome position (GRCh38, 1-based): chr7:157,384,962, T>C. VCF-style: chr7-157384962-T-C. GRCh37 (hg19) VCF-style: chr7-157177656-T-C.
Other names: c.574T>C, p.Ser192Pro (NM_005494.3); c.346+17479T>C (NM_001363676.1); short protein forms S192P.
Identifiers: ClinVar variation 2143043 (VCV002143043.4), dbSNP rs759778675, ClinGen allele CA4590558.
Genomic context (GRCh38, chr7:157,384,962, plus strand): 5'-CTCACTTCATTCTCTTCCACGTCATTTGGTGGTAGTGGCATGGGCAACTTCAAATCGATA[T>C]CAACTTCAACTAAAATGGTTAATGGCAGAAAAATCACTACAAAGAGGTACTGTGGTATTC-3'
Protein context (NP_490647.1, residues 182-202): GSGMGNFKSI[Ser192Pro]TSTKMVNGRK

ClinVar aggregate classification (germline): Uncertain significance (1 of 4 stars; one submission).

Conditions:
Autosomal dominant limb-girdle muscular dystrophy type 1D (DNAJB6) (LGMDD1). Also called: MUSCULAR DYSTROPHY, LIMB-GIRDLE, TYPE 1D; Autosomal dominant limb-girdle muscular dystrophy type 1D; Muscular dystrophy, limb-girdle, autosomal dominant 1; MUSCULAR DYSTROPHY, AUTOSOMAL DOMINANT, WITH RIMMED VACUOLES. Identifiers: Orphanet 34516, MedGen C4721885, MONDO:0021018, OMIM 603511.

Allele frequency attached by ClinVar (database versions not stated): gnomAD exomes 0.00001; TOPMed 0.00001; ExAC 0.00002.
gnomAD v4.1: 8 of 1,614,170 alleles (0.0005%); highest among the groups gnomAD compares: African/African-American, 0.0013%; no homozygotes.

Submission:

Labcorp Genetics (formerly Invitae), Labcorp
Classification: Uncertain significance for Autosomal dominant limb-girdle muscular dystrophy type 1D (DNAJB6). Last evaluated: 2022-03-12. Review status: criteria provided, single submitter. Criteria: Invitae Variant Classification Sherloc (09022015). Collection method: clinical testing. Allele origin: germline.
Comment: This variant has not been reported in the literature in individuals affected with DNAJB6-related conditions. This variant is present in population databases (rs759778675, gnomAD 0.007%). This sequence change replaces serine, which is neutral and polar, with proline, which is neutral and non-polar, at codon 192 of the DNAJB6 protein (p.Ser192Pro). Algorithms developed to predict the effect of missense changes on protein structure and function are either unavailable or do not agree on the potential impact of this missense change (SIFT: "Tolerated"; PolyPhen-2: "Not Available"; Align-GVGD: "Class C0"). In summary, the available evidence is currently insufficient to determine the role of this variant in disease. Therefore, it has been classified as a Variant of Uncertain Significance.